The following is an entry in ClinVar:

NM_000540.3(RYR1):c.4747_4751delinsACCGCTTTG (p.Arg1583fs)

Gene: RYR1 (ryanodine receptor 1; plus strand). Cytogenetic location: 19q13.2.
Variant type: Indel.
Coding change: c.4747_4751delinsACCGCTTTG on transcript NM_000540.3 (MANE Select); coding-DNA positions 4747 to 4751, CGCAA replaced by ACCGCTTTG.
Protein change: p.Arg1583fs; shifts the reading frame from arginine 1583.
Molecular consequence: frameshift variant.
Genome position (GRCh38, 1-based): chr19:38,483,329-38,483,333, CGCAA replaced by ACCGCTTTG. VCF-style: chr19-38483329-CGCAA-ACCGCTTTG. GRCh37 (hg19) VCF-style: chr19-38973969-CGCAA-ACCGCTTTG.
Other names: c.4747_4751delinsACCGCTTTG, p.Arg1583fs (NM_001042723.2); short protein forms R1583fs.
Identifiers: ClinVar variation 5005977 (VCV005005977.2).

ClinVar aggregate classification (germline): Likely pathogenic (1 of 4 stars; one submission).

Conditions:
Congenital multicore myopathy with external ophthalmoplegia (CMYO1B). Also called: MULTIMINICORE DISEASE WITH EXTERNAL OPHTHALMOPLEGIA; Minicore myopathy with external ophthalmoplegia; Congenital myopathy 1B, autosomal recessive; Minicore myopathy; MULTICORE MYOPATHY. Identifiers: Orphanet 598, Orphanet 98905, MedGen C1850674, MONDO:0009712, OMIM 255320, HP:0003789.
Central core myopathy (CMYO1A). Also called: CONGENITAL MYOPATHY 1A, AUTOSOMAL DOMINANT, WITH SUSCEPTIBILITY TO MALIGNANT HYPERTHERMIA; Central core disease; Myopathy, central fibrillar. Identifiers: Orphanet 597, MedGen C5830701, MONDO:0007294, OMIM 117000.
King Denborough syndrome (KDS). Identifiers: MedGen C1840365, MONDO:0020485, OMIM 619542.
Malignant hyperthermia, susceptibility to, 1 (MHS1). Also called: Malignant hyperthermia suceptibility 1; Anesthesia related hyperthermia; Malignant hyperpyrexia; Fulminating hyperpyrexia; Pharmacogenic myopathy; RYR1-Related Malignant Hyperthermia Susceptibility. Identifiers: Orphanet 423, MedGen C2930980, MONDO:0007783, OMIM 145600.

Submission:

Juno Genomics, Hangzhou Juno Genomics, Inc
Classification: Likely pathogenic for Central core myopathy; Congenital multicore myopathy with external ophthalmoplegia; Malignant hyperthermia, susceptibility to, 1; King Denborough syndrome. Review status: criteria provided, single submitter. Criteria: ACMG Guidelines, 2015. Collection method: clinical testing. Allele origin: germline.
Comment: Null variant in a gene where loss of function (LOF) is a known mechanism of disease.;Absent from controls (or at extremely low frequency if recessive) in Genome Aggregation Database.